The following is an entry in ClinVar:

NM_001130009.3(GEN1):c.959C>T (p.Ala320Val)

Gene: GEN1 (GEN1 structure-specific endonuclease; plus strand). Cytogenetic location: 2p24.2.
Variant type: single nucleotide variant.
Coding change: c.959C>T on transcript NM_001130009.3 (MANE Select); coding-DNA position 959, C replaced by T.
Protein change: p.Ala320Val; replaces alanine 320 with valine.
Molecular consequence: missense variant.
Genome position (GRCh38, 1-based): chr2:17,773,101, C>T. VCF-style: chr2-17773101-C-T. GRCh37 (hg19) VCF-style: chr2-17954368-C-T.
Other names: c.959C>T, p.Ala320Val (NM_182625.5); short protein forms A320V.
Identifiers: ClinVar variation 5022325 (VCV005022325.1).
Genomic context (GRCh38, chr2:17,773,101, plus strand): 5'-CAGAGTCTAAAATTGTCTGATTATAGTAATAACATGTATATAATTTTTTTTTCAGGAAAG[C>T]TTGCTGTTGTGAGGGATTCCCATTCCATGAGGTAATATCCAGTAATTCAACTCTATTAAT-3'
Protein context (NP_001123481.3, residues 310-330): SEVENNIKKK[Ala320Val]CCCEGFPFHE

ClinVar aggregate classification (germline): Uncertain significance (1 of 4 stars; one submission).

Submission:

Ambry Genetics
Classification: Uncertain significance. Last evaluated: 2026-08-10. Review status: criteria provided, single submitter. Criteria: Ambry Variant Classification Scheme 2023. Collection method: clinical testing. Allele origin: germline.
Comment: The p.A320V variant (also known as c.959C>T), located in coding exon 8 of the GEN1 gene, results from a C to T substitution at nucleotide position 959. The alanine at codon 320 is replaced by valine, an amino acid with similar properties. This amino acid position is conserved. In addition, this alteration is predicted to be tolerated by in silico analysis. Based on the available evidence, the clinical significance of this variant remains unclear.